The following is an entry in ClinVar:

NM_004386.3(NCAN):c.3115G>A (p.Ala1039Thr)

Gene: NCAN (neurocan; plus strand). Cytogenetic location: 19p13.11.
Variant type: single nucleotide variant.
Coding change: c.3115G>A on transcript NM_004386.3 (MANE Select); coding-DNA position 3115, G replaced by A.
Protein change: p.Ala1039Thr; replaces alanine 1039 with threonine.
Molecular consequence: missense variant.
Genome position (GRCh38, 1-based): chr19:19,233,884, G>A. VCF-style: chr19-19233884-G-A. GRCh37 (hg19) VCF-style: chr19-19344693-G-A.
Other names: rs146011974; short protein forms A1039T.
Identifiers: ClinVar variation 291298 (VCV000291298.1), dbSNP rs146011974, ClinGen allele CA9323866.
Genomic context (GRCh38, chr19:19,233,884, plus strand): 5'-CATGGAGGGACATGTAATGCCAATGGCACCATGTATGGCTGTAGCTGTGATCAGGGCTTC[G>A]CCGGGGAGAACTGTGAGATTGGTGAGTACCCCAGACTCAGGATCTGAATCTGAATTTGTT-3'
Protein context (NP_004377.2, residues 1029-1049): MYGCSCDQGF[Ala1039Thr]GENCEIDIDD

ClinVar aggregate classification (germline): Uncertain significance (0 of 4 stars; one submission).

Conditions:
Developmental dyslexia. Identifiers: MedGen C0920296.

Allele frequency attached by ClinVar (database versions not stated): gnomAD 0.00036 and 0.00040; TOPMed 0.00037; ESP Exome Variant Server 0.00054.
gnomAD v4.1: 143 of 1,612,380 alleles (0.0089%); highest among the groups gnomAD compares: African/African-American, 0.1%; no homozygotes.

Submission:

Kere lab, Karolinska Institutet
Classification: Uncertain significance for Developmental dyslexia. Last evaluated: 2016-11-22. Review status: no assertion criteria provided. Collection method: research. Allele origin: germline. Inheritance: Autosomal dominant inheritance. Affected: yes. Observed: 8 variant alleles, 8 heterozygotes.
Comment: Rare variant found in exomes of two members of a pedigree with multiple individuals affected by developmental dyslexia. Subsequently, co-segregation of the variant with other affected family members confirmed.

Literature cited by the submitters: PubMed 28839234.